The following is an entry in ClinVar:

NM_000059.4(BRCA2):c.2564_2565del (p.Thr855fs)

Gene: BRCA2 (BRCA2 DNA repair associated; plus strand). Cytogenetic location: 13q13.1.
Variant type: Microsatellite.
Coding change: c.2564_2565del on transcript NM_000059.4 (MANE Select); coding-DNA positions 2564 to 2565, 2 bases deleted (CA; older notation c.2564_2565delCA).
Protein change: p.Thr855fs; shifts the reading frame from threonine 855.
Molecular consequence: frameshift variant.
Genome position (GRCh38, 1-based): chr13:32,336,919-32,336,920, CA deleted; deleting any 2 consecutive bases within chr13:32,336,916-32,336,920 gives the same sequence; the c. name uses the placement nearest the transcript's 3' end. VCF-style (leftmost placement, unchanged base first): chr13-32336915-AAC-A. GRCh37 (hg19) VCF-style: chr13-32911052-AAC-A.
Other names: 2792delCA; c.2564_2565delCA (NM_000059.3); short protein forms T855fs.
Identifiers: ClinVar variation 51307 (VCV000051307.31), dbSNP rs80359334, ClinGen allele CA015656.

ClinVar aggregate classification (germline): Pathogenic. Review status: reviewed by expert panel (3 of 4 stars). 13 submissions from 13 submitters: Pathogenic (1). 12 of the submissions do not count toward it. Last evaluated 2016-09-08.

Conditions:
BRCA2-related cancer predisposition. Identifiers: MedGen CN377758, MONDO:0700269.
Pancreatic cancer, susceptibility to, 2. Identifiers: Orphanet 1333, MedGen C3150546, MONDO:0013235, OMIM 613347.
Glioma susceptibility 3 (GLM3). Also called: Glioblastoma 3. Identifiers: Orphanet 182067, Orphanet 360, MedGen C2751641, MONDO:0013093, OMIM 613029.
Familial prostate cancer. Also called: Hereditary Prostate Cancer. Identifiers: MedGen C2931456, MONDO:0700275, OMIM 176807.
Breast-ovarian cancer, familial, susceptibility to, 2 (BROVCA2). Also called: BRCA2 Hereditary Breast and Ovarian Cancer. Identifiers: Orphanet 145, MedGen C2675520, MONDO:0012933, OMIM 612555. Disease mechanism: loss of function.
Fanconi anemia complementation group D1. Also called: BRCA2-Related Fanconi Anemia. Identifiers: Orphanet 319462, MedGen C1838457, MONDO:0011584, OMIM 605724.
Medulloblastoma (MDB). Also called: Medulloblastoma, somatic; MEDULLOBLASTOMA PREDISPOSITION SYNDROME. Identifiers: Orphanet 616, MedGen C0025149, MeSH D008527, MONDO:0007959, OMIM 155255, HP:0002885.
Wilms tumor 1 (WT1). Also called: Wilms tumor, somatic. Identifiers: Orphanet 654, MedGen CN033288, MONDO:0008679, OMIM 194070.
Familial cancer of breast. Also called: BREAST CANCER, FAMILIAL; hereditary breast carcinoma; Hereditary breast cancer. Identifiers: Orphanet 227535, MedGen C0346153, MONDO:0016419, OMIM 114480. Disease mechanism: loss of function.
Hereditary cancer-predisposing syndrome. Also called: Neoplastic Syndromes, Hereditary; Tumor predisposition; Hereditary Cancer Syndrome; Hereditary neoplastic syndrome. Identifiers: Orphanet 140162, MedGen C0027672, MeSH D009386, MONDO:0015356.
Hereditary breast ovarian cancer syndrome. Also called: Breast and ovarian cancer; Hereditary breast and ovarian cancer; Hereditary breast and ovarian cancer syndrome (HBOC); Hereditary breast and ovarian cancer syndrome; BRCA1- and BRCA2-Associated Hereditary Breast and Ovarian Cancer; Hereditary breast and/or ovarian cancer syndrome. Identifiers: Orphanet 145, MedGen C0677776, MeSH D061325, MONDO:0003582. Disease mechanism: loss of function.

Submissions 1 to 9 of 13:

Evidence-based Network for the Interpretation of Germline Mutant Alleles (ENIGMA)
Classification: Pathogenic for Breast-ovarian cancer, familial, susceptibility to, 2. Last evaluated: 2016-09-08. Review status: reviewed by expert panel. Criteria: ENIGMA BRCA1/2 Classification Criteria (2015). Collection method: curation. Allele origin: germline.
Comment: Variant allele predicted to encode a truncated non-functional protein.

Ambry Genetics
Classification: Pathogenic for Hereditary cancer-predisposing syndrome. Last evaluated: 2025-08-27. Review status: criteria provided, single submitter. Criteria: Ambry Variant Classification Scheme 2023. Collection method: clinical testing. Allele origin: germline. Not counted in ClinVar's aggregate classification.
Comment: The c.2564_2565delCA pathogenic mutation, located in coding exon 10 of the BRCA2 gene, results from a deletion of two nucleotides at nucleotide positions 2564 to 2565, causing a translational frameshift with a predicted alternate stop codon (p.T855Kfs*25). This variant is considered to be rare based on population cohorts in the Genome Aggregation Database (gnomAD). This alteration is expected to result in loss of function by premature protein truncation or nonsense-mediated mRNA decay. As such, this alteration is interpreted as a disease-causing mutation.

Quest Diagnostics Nichols Institute San Juan Capistrano
Classification: Pathogenic. Last evaluated: 2025-08-18. Review status: criteria provided, single submitter. Criteria: Quest Diagnostics criteria. Collection method: clinical testing. Allele origin: unknown. Not counted in ClinVar's aggregate classification.
Comment: The BRCA2 c.2564_2565del (p.Thr855Lysfs*25) variant alters the translational reading frame of the BRCA2 mRNA and causes the premature termination of BRCA2 protein synthesis. This variant has been reported in the published literature in a large worldwide study of BRCA1/2 positive families (PMID: 29446198 (2018)), and individuals with breast and/or ovarian cancer (PMID: 18286383 (2008), 26564481 (2015), 28888541 (2017)). This variant has not been reported in large, multi-ethnic general populations (Genome Aggregation Database). Based on the available information, this variant is classified as pathogenic.

Labcorp Genetics (formerly Invitae), Labcorp
Classification: Pathogenic for Hereditary breast ovarian cancer syndrome. Last evaluated: 2025-05-12. Review status: criteria provided, single submitter. Criteria: Invitae Variant Classification Sherloc (09022015). Collection method: clinical testing. Allele origin: germline. Not counted in ClinVar's aggregate classification.
Comment: This sequence change creates a premature translational stop signal (p.Thr855Lysfs*25) in the BRCA2 gene. It is expected to result in an absent or disrupted protein product. Loss-of-function variants in BRCA2 are known to be pathogenic (PMID: 20104584). This variant is not present in population databases (gnomAD no frequency). This premature translational stop signal has been observed in individual(s) with breast cancer (PMID: 18286383). This variant is also known as c.2792_2793delCA. ClinVar contains an entry for this variant (Variation ID: 51307). For these reasons, this variant has been classified as Pathogenic.

ARUP Laboratories, Molecular Genetics and Genomics, ARUP Laboratories
Classification: Pathogenic. Last evaluated: 2025-02-03. Review status: criteria provided, single submitter. Criteria: ARUP Molecular Germline Variant Investigation Process 2024. Collection method: clinical testing. Allele origin: germline. Not counted in ClinVar's aggregate classification.
Comment: The BRCA2 c.2564_2565del; p.Thr855LysfsTer25 variant (rs80359334, ClinVar Variation ID: 51307), also known as c.2792_2793delCA in traditional nomenclature, is reported in the literature in individuals affected with breast and/or ovarian cancer (Lilyquist 2017, Rodriguez 2008). This variant is absent from the Genome Aggregation Database (v2.1.1), indicating it is not a common polymorphism. This variant causes a frameshift by deleting two nucleotides, so it is predicted to result in a truncated protein or mRNA subject to nonsense-mediated decay. Based on available information, this variant is considered to be pathogenic. References: Lilyquist J et al. Frequency of mutations in a large series of clinically ascertained ovarian cancer cases tested on multi-gene panels compared to reference controls. Gynecol Oncol. 2017 Nov;147(2):375-380. PMID: 28888541. Rodriguez RC et al. Prevalence of BRCA1 and BRCA2 mutations in breast cancer patients from Cuba. Fam Cancer. 2008;7(3):275-9. PMID: 18286383.

All of Us Research Program, National Institutes of Health
Classification: Pathogenic for BRCA2-related cancer predisposition. Last evaluated: 2024-06-09. Review status: criteria provided, single submitter. Criteria: ACMG Guidelines, 2015. Collection method: clinical testing. Allele origin: germline. Inheritance: Autosomal dominant inheritance. Observed: 1 variant allele, 1 heterozygote. Not counted in ClinVar's aggregate classification.
Comment: This variant deletes 2 nucleotides in exon 11 of the BRCA2 gene, creating a frameshift and premature translation stop signal. This variant is expected to result in an absent or non-functional protein product. This variant has been reported in an individual affected with breast and cervical cancer (PMID: 18286383) and in 1 family among the CIMBA participants (PMID: 29446198). This variant has not been identified in the general population by the Genome Aggregation Database (gnomAD). Loss of BRCA2 function is a known mechanism of disease. Based on the available evidence, this variant is classified as Pathogenic.

This study involves interpretation of variants in research participants for the purpose of population health screening. Participant phenotype was not available at the time of variant classification. Additional details can be found in publication PMID: 35346344, PMCID: PMC8962531

Color Diagnostics, LLC DBA Color Health
Classification: Pathogenic for Hereditary cancer-predisposing syndrome. Last evaluated: 2024-04-03. Review status: criteria provided, single submitter. Criteria: ACMG Guidelines, 2015. Collection method: clinical testing. Allele origin: germline. Not counted in ClinVar's aggregate classification.
Comment: This variant deletes 2 nucleotides in exon 11 of the BRCA2 gene, creating a frameshift and premature translation stop signal. This variant is expected to result in an absent or non-functional protein product. This variant has been reported in an individual affected with breast and cervical cancer (PMID: 18286383) and in 1 family among the CIMBA participants (PMID: 29446198). This variant has not been identified in the general population by the Genome Aggregation Database (gnomAD). Loss of BRCA2 function is a known mechanism of disease. Based on the available evidence, this variant is classified as Pathogenic.

GeneDx
Classification: Pathogenic. Last evaluated: 2023-06-20. Review status: criteria provided, single submitter. Criteria: GeneDx Variant Classification Process June 2021. Collection method: clinical testing. Allele origin: germline. Affected: yes. Not counted in ClinVar's aggregate classification.
Comment: Frameshift variant predicted to result in protein truncation or nonsense mediated decay in a gene for which loss of function is a known mechanism of disease; Observed in individuals with personal and/or family history of BRCA2-related cancers (Rodriguez et al., 2008; Lilyquist et al., 2017); Truncating variants in this gene are considered pathogenic by a well-established clinical consortium and/or database; Not observed at significant frequency in large population cohorts (gnomAD); Also known as 2792_2793delCA; This variant is associated with the following publications: (PMID: 18286383, 26564481, 28127413, 30787465, 29446198, 26295337, 31853058, 28888541)

Baylor Genetics
Classification: Pathogenic for Familial cancer of breast. Last evaluated: 2023-02-10. Review status: criteria provided, single submitter. Criteria: ACMG Guidelines, 2015. Collection method: clinical testing. Allele origin: unknown. Not counted in ClinVar's aggregate classification.